The following is an entry in ClinVar:

NM_001130965.3(SUN1):c.523G>A (p.Ala175Thr)

Gene: SUN1 (Sad1 and UNC84 domain containing 1; plus strand). Cytogenetic location: 7p22.3.
Variant type: single nucleotide variant.
Coding change: c.523G>A on transcript NM_001130965.3 (MANE Select); coding-DNA position 523, G replaced by A.
Protein change: p.Ala175Thr; replaces alanine 175 with threonine.
Molecular consequence: missense variant. On other transcripts: 5 prime UTR variant (3), non-coding transcript variant (3), intron variant (1), synonymous variant (1).
Genome position (GRCh38, 1-based): chr7:843,385, G>A. VCF-style: chr7-843385-G-A. GRCh37 (hg19) VCF-style: chr7-883022-G-A.
Other names: c.523G>A, p.Ala175Thr (NM_001367672.1, NM_001367674.1, NM_001367677.1 and 32 more transcripts); c.373G>A, p.Ala125Thr (NM_001367673.1, NM_001367679.1, NM_001367680.1 and 24 more transcripts); c.334G>A, p.Ala112Thr (NM_001367695.1); c.-45G>A (NM_001367708.1, NM_001367639.1); c.451+1255G>A (NM_001171944.2); c.586G>A, p.Ala196Thr (NM_001171945.2); c.66G>A, p.Pro22= (NM_001367635.1); c.742G>A, p.Ala248Thr (NM_001367651.1); and 2 more; short protein forms A196T, A112T, A125T, A175T, A248T, A184T.
Identifiers: ClinVar variation 2144340 (VCV002144340.4), dbSNP rs766591405, ClinGen allele CA4111577.

ClinVar aggregate classification (germline): Uncertain significance (1 of 4 stars; one submission).

Conditions:
Emery-Dreifuss muscular dystrophy (EDMD). Also called: Scapuloperoneal syndrome, X-linked (formerly); Humeroperoneal neuromuscular disease, (formerly). Identifiers: Orphanet 261, MedGen C0410189, MONDO:0016830.

Allele frequency attached by ClinVar (database versions not stated): ExAC 0.00002.
gnomAD v4.1: 18 of 1,609,816 alleles (0.0011%); highest among the groups gnomAD compares: Non-Finnish European, 0.0014%; no homozygotes.

Submission:

Labcorp Genetics (formerly Invitae), Labcorp
Classification: Uncertain significance for Emery-Dreifuss muscular dystrophy. Last evaluated: 2022-08-09. Review status: criteria provided, single submitter. Criteria: Invitae Variant Classification Sherloc (09022015). Collection method: clinical testing. Allele origin: germline.
Comment: This variant has not been reported in the literature in individuals affected with SUN1-related conditions. This sequence change replaces alanine, which is neutral and non-polar, with threonine, which is neutral and polar, at codon 175 of the SUN1 protein (p.Ala175Thr). Algorithms developed to predict the effect of missense changes on protein structure and function output the following: SIFT: "Tolerated"; PolyPhen-2: "Possibly Damaging"; Align-GVGD: "Class C0". The threonine amino acid residue is found in multiple mammalian species, which suggests that this missense change does not adversely affect protein function. This variant is present in population databases (rs766591405, gnomAD 0.007%). In summary, the available evidence is currently insufficient to determine the role of this variant in disease. Therefore, it has been classified as a Variant of Uncertain Significance.